The following is an entry in ClinVar:

ClinVar aggregate classification (germline): Uncertain significance (1 of 4 stars; one submission).

Allele frequency attached by ClinVar (database versions not stated): TOPMed 0.00002.

Submission:

GeneDx
Classification: Uncertain significance. Last evaluated: 2022-12-15. Review status: criteria provided, single submitter. Criteria: GeneDx Variant Classification Process June 2021. Collection method: clinical testing. Allele origin: germline. Affected: yes.
Comment: Not observed at significant frequency in large population cohorts (gnomAD); In silico analysis supports that this missense variant does not alter protein structure/function; Has not been previously published as pathogenic or benign to our knowledge

NM_015047.3(EMC1):c.473G>A (p.Ser158Asn)

Gene: EMC1 (ER membrane protein complex subunit 1; minus strand). Cytogenetic location: 1p36.13.
Variant type: single nucleotide variant.
Coding change: c.473G>A on transcript NM_015047.3 (MANE Select); coding-DNA position 473, G replaced by A.
Protein change: p.Ser158Asn; replaces serine 158 with asparagine.
Molecular consequence: missense variant.
Genome position (GRCh38, 1-based): chr1:19,242,381, C>T on the plus strand (G>A on the coding strand, the complement: EMC1 is on the minus strand). VCF-style: chr1-19242381-C-T. GRCh37 (hg19) VCF-style: chr1-19568875-C-T.
Other names: c.473G>A, p.Ser158Asn (NM_001271427.2, NM_001271428.2, NM_001375820.1 and 1 more transcripts); c.407G>A, p.Ser136Asn (NM_001271429.2); short protein forms S136N, S158N.
Identifiers: ClinVar variation 2505801 (VCV002505801.1), dbSNP rs1213978557, ClinGen allele CA338770572.